The following is an entry in ClinVar:

ClinVar aggregate classification (germline): Likely pathogenic (1 of 4 stars; one submission).

Conditions:
Dilated cardiomyopathy 1KK (CMD1KK). Identifiers: Orphanet 154, Orphanet 75249, MedGen C3714995, MONDO:0014100, OMIM 615248.

Allele frequency attached by ClinVar (database versions not stated): gnomAD exomes below 0.00001; gnomAD 0.00001.
gnomAD v4.1: 4 of 1,612,616 alleles (0.00025%); highest among the groups gnomAD compares: Non-Finnish European, 0.00034%; no homozygotes.

Submission:

Labcorp Genetics (formerly Invitae), Labcorp
Classification: Likely pathogenic for Dilated cardiomyopathy 1KK. Last evaluated: 2019-08-30. Review status: criteria provided, single submitter. Criteria: Invitae Variant Classification Sherloc (09022015). Collection method: clinical testing. Allele origin: germline.
Comment: This sequence change affects an acceptor splice site in intron 5 of the MYPN gene. It is expected to disrupt RNA splicing and likely results in an absent or disrupted protein product. This variant is not present in population databases (ExAC no frequency). This variant has not been reported in the literature in individuals with MYPN-related conditions. Donor and acceptor splice site variants typically lead to a loss of protein function (PMID: 16199547), and loss-of-function variants in MYPN are known to be pathogenic (PMID: 28017374). In summary, the currently available evidence indicates that the variant is pathogenic, but additional data are needed to prove that conclusively. Therefore, this variant has been classified as Likely Pathogenic.

Literature cited by the submitters: PubMed 28017374.

NM_032578.4(MYPN):c.1246-2A>G

Gene: MYPN (myopalladin; plus strand). Cytogenetic location: 10q21.3.
Variant type: single nucleotide variant.
Coding change: c.1246-2A>G on transcript NM_032578.4 (MANE Select); the canonical splice acceptor site of the intron before coding-DNA position 1246, A replaced by G.
Molecular consequence: splice acceptor variant.
Genome position (GRCh38, 1-based): chr10:68,150,038, A>G. VCF-style: chr10-68150038-A-G. GRCh37 (hg19) VCF-style: chr10-69909795-A-G.
Other names: c.1246-2A>G (NM_001256267.2); c.364-2A>G (NM_001256268.2).
Identifiers: ClinVar variation 935435 (VCV000935435.1), dbSNP rs1327758535, ClinGen allele CA376833026.